The following is an entry in ClinVar:

ClinVar aggregate classification (germline): Uncertain significance (1 of 4 stars; one submission).

gnomAD v4.1: 2 of 1,594,022 alleles (0.00013%); highest among the groups gnomAD compares: Non-Finnish European, 0.00017%; no homozygotes.

Submission:

Mayo Clinic Laboratories, Mayo Clinic
Classification: Uncertain significance. Last evaluated: 2024-04-24. Review status: criteria provided, single submitter. Criteria: ACMG Guidelines, 2015. Collection method: clinical testing. Allele origin: germline. Observed: 2 variant alleles.
Comment: BP4, PM2

NM_001374736.1(DST):c.17125G>A (p.Gly5709Ser)

Gene: DST (dystonin; minus strand). Cytogenetic location: 6p12.1.
Variant type: single nucleotide variant.
Coding change: c.17125G>A on transcript NM_001374736.1 (MANE Select); coding-DNA position 17125, G replaced by A.
Protein change: p.Gly5709Ser; replaces glycine 5709 with serine.
Molecular consequence: missense variant.
Genome position (GRCh38, 1-based): chr6:56,530,117, C>T on the plus strand (G>A on the coding strand, the complement: DST is on the minus strand). VCF-style: chr6-56530117-C-T. GRCh37 (hg19) VCF-style: chr6-56394915-C-T.
Other names: p.Gly3086Ser; c.10768G>A, p.Gly3590Ser (NM_001144769.5); c.10354G>A, p.Gly3452Ser (NM_001144770.2); c.17125G>A, p.Gly5709Ser (NM_001374722.1); c.16492G>A, p.Gly5498Ser (NM_001374729.1); c.10234G>A, p.Gly3412Ser (NM_001374730.1, NM_001386100.1, NM_183380.4); c.17152G>A, p.Gly5718Ser (NM_001374734.1); c.9256G>A, p.Gly3086Ser (NM_015548.5); short protein forms G3086S, G3412S, G3452S, G3590S, G5498S, G5709S, G5718S.
Identifiers: ClinVar variation 3379690 (VCV003379690.1).